The following is an entry in ClinVar:

NM_000747.3(CHRNB1):c.1218-3C>T

Gene: CHRNB1 (cholinergic receptor nicotinic beta 1 subunit; plus strand). Cytogenetic location: 17p13.1.
Variant type: single nucleotide variant.
Coding change: c.1218-3C>T on transcript NM_000747.3 (MANE Select); 3 bases into the intron before coding-DNA position 1218, C replaced by T.
Molecular consequence: intron variant.
Genome position (GRCh38, 1-based): chr17:7,455,791, C>T. VCF-style: chr17-7455791-C-T. GRCh37 (hg19) VCF-style: chr17-7359110-C-T.
Identifiers: ClinVar variation 325106 (VCV000325106.9), dbSNP rs886053404, ClinGen allele CA10640480.
Genomic context (GRCh38, chr17:7,455,791, plus strand): 5'-GGGCCTGGGTCGCCGGCACTGGCTGTCTTTGCGTTTGGGCGTGGCCAGTCACTCCTCTTC[C>T]AGGTTCCAGCCTGAACTGTCTGCCCCTGATCTGCGGCGATTTATCGATGGTCCAAACCGG-3'

ClinVar aggregate classification (germline): Uncertain significance. Review status: criteria provided, multiple submitters, no conflicts (2 of 4 stars). 2 submissions from 2 submitters: Uncertain significance (2). Last evaluated 2024-05-09.

Conditions:
Congenital myasthenic syndrome 2A. Also called: Myasthenic syndrome, congenital, 2a, slow-channel. Identifiers: Orphanet 590, MedGen C4225374, MONDO:0014581, OMIM 616313.
Congenital myasthenic syndrome 4C (CMS4C). Also called: Myasthenic syndrome, congenital, associated with acetylcholine receptor deficiency. Identifiers: Orphanet 590, MedGen C1837091, MONDO:0012157, OMIM 608931.

Allele frequency attached by ClinVar (database versions not stated): gnomAD exomes below 0.00001 and 0.00001; TOPMed 0.00002.
gnomAD v4.1: 5 of 1,614,206 alleles (0.00031%); highest among the groups gnomAD compares: Non-Finnish European, 0.00042%; no homozygotes.

Submissions (2):

Labcorp Genetics (formerly Invitae), Labcorp
Classification: Uncertain significance for Congenital myasthenic syndrome 2A. Last evaluated: 2024-05-09. Review status: criteria provided, single submitter. Criteria: Invitae Variant Classification Sherloc (09022015). Collection method: clinical testing. Allele origin: germline.
Comment: This sequence change falls in intron 9 of the CHRNB1 gene. It does not directly change the encoded amino acid sequence of the CHRNB1 protein. It affects a nucleotide within the consensus splice site. This variant is present in population databases (no rsID available, gnomAD 0.0009%). This variant has not been reported in the literature in individuals affected with CHRNB1-related conditions. ClinVar contains an entry for this variant (Variation ID: 325106). Variants that disrupt the consensus splice site are a relatively common cause of aberrant splicing (PMID: 17576681, 9536098). Algorithms developed to predict the effect of sequence changes on RNA splicing suggest that this variant is not likely to affect RNA splicing. In summary, the available evidence is currently insufficient to determine the role of this variant in disease. Therefore, it has been classified as a Variant of Uncertain Significance.

Illumina Laboratory Services, Illumina
Classification: Uncertain significance for Congenital myasthenic syndrome 4C. Last evaluated: 2018-01-12. Review status: criteria provided, single submitter. Criteria: ICSL Variant Classification Criteria 13 December 2019. Collection method: clinical testing. Allele origin: germline.

Literature cited by the submitters: PubMed 17576681 (cited by Labcorp Genetics (formerly Invitae), Labcorp); PubMed 9536098 (cited by Labcorp Genetics (formerly Invitae), Labcorp).